The following is an entry in ClinVar:

NM_001364171.2(ODAD1):c.2027G>A (p.Ser676Asn)

Gene: ODAD1 (outer dynein arm docking complex subunit 1; minus strand). Cytogenetic location: 19q13.33.
Variant type: single nucleotide variant.
Coding change: c.2027G>A on transcript NM_001364171.2 (MANE Select); coding-DNA position 2027, G replaced by A.
Protein change: p.Ser676Asn; replaces serine 676 with asparagine.
Molecular consequence: missense variant.
Genome position (GRCh38, 1-based): chr19:48,297,073, C>T on the plus strand (G>A on the coding strand, the complement: ODAD1 is on the minus strand). VCF-style: chr19-48297073-C-T. GRCh37 (hg19) VCF-style: chr19-48800330-C-T.
Other names: p.Ser639Asn; c.1916G>A, p.Ser639Asn (NM_144577.4); short protein forms S639N, S676N.
Identifiers: ClinVar variation 241876 (VCV000241876.39), dbSNP rs74351635, ClinGen allele CA9548499.
Genomic context (GRCh38, chr19:48,297,073, plus strand): 5'-CCAGTGCTGGAGGCAGGGCCGGTGCTGGAGACGTGGTCTCTGCTGGACCCGAGGCCTCCG[C>T]TCGAATCAGACGCTGTGCCTCCGCTCTCCACACCACCCTCTGTGTTTTCTCCGCCCCTGC-3'
Protein context (NP_001351100.1, residues 666-686): VESGGTASDS[Ser676Asn]GGLGSSRDHV

ClinVar aggregate classification (germline): Benign/Likely benign. Review status: criteria provided, multiple submitters, no conflicts (2 of 4 stars). 9 submissions from 9 submitters: Benign (8); Likely benign (1). Last evaluated 2026-02-02.

Conditions:
Primary ciliary dyskinesia. Also called: Ciliary dyskinesia. Identifiers: Orphanet 244, MedGen C0008780, MONDO:0016575, HP:0012265.
Primary ciliary dyskinesia 20. Also called: CILIARY DYSKINESIA, PRIMARY, 20, WITH OR WITHOUT SITUS INVERSUS. Identifiers: Orphanet 244, MedGen C3540844, MONDO:0014030, OMIM 615067.

Allele frequency attached by ClinVar (database versions not stated): 1000 Genomes Project 30x 0.00297; 1000 Genomes Project 0.00300; ExAC 0.00794; TOPMed 0.00926; gnomAD 0.00931; ESP Exome Variant Server 0.00984.
gnomAD v4.1: 20,566 of 1,613,208 alleles (1.3%); highest among the groups gnomAD compares: Non-Finnish European, 1.6%; 161 homozygotes.

Submissions (9):

Labcorp Genetics (formerly Invitae), Labcorp
Classification: Benign for Primary ciliary dyskinesia. Last evaluated: 2026-02-02. Review status: criteria provided, single submitter. Criteria: Invitae Variant Classification Sherloc (09022015). Collection method: clinical testing. Allele origin: germline.

Blueprint Genetics
Classification: Likely benign. Last evaluated: 2024-11-26. Review status: criteria provided, single submitter. Criteria: ACMG Guidelines, 2015. Collection method: clinical testing. Allele origin: germline.

ARUP Laboratories, Molecular Genetics and Genomics, ARUP Laboratories
Classification: Benign for Primary ciliary dyskinesia 20. Last evaluated: 2024-09-16. Review status: criteria provided, single submitter. Criteria: ARUP Molecular Germline Variant Investigation Process 2024. Collection method: clinical testing. Allele origin: germline.

CeGaT Center for Human Genetics Tuebingen
Classification: Benign. Last evaluated: 2024-07-01. Review status: criteria provided, single submitter. Criteria: CeGaT Center For Human Genetics Tuebingen Variant Classification Criteria Version 2. Collection method: clinical testing. Allele origin: germline. Affected: yes. Observed: 1 variant allele.
Comment: ODAD1: BP4, BS1, BS2

Mayo Clinic Laboratories, Mayo Clinic
Classification: Benign. Last evaluated: 2024-04-29. Review status: criteria provided, single submitter. Criteria: ACMG Guidelines, 2015. Collection method: clinical testing. Allele origin: germline. Observed: 3 variant alleles.
Comment: BS1, BS2, BP4

GeneDx
Classification: Benign. Last evaluated: 2020-02-27. Review status: criteria provided, single submitter. Criteria: GeneDx Variant Classification Process June 2021. Collection method: clinical testing. Allele origin: germline. Affected: yes.

Ambry Genetics
Classification: Benign for Primary ciliary dyskinesia. Last evaluated: 2016-07-26. Review status: criteria provided, single submitter. Criteria: Ambry Variant Classification Scheme 2023. Collection method: clinical testing. Allele origin: germline.

Breakthrough Genomics
Classification: Benign. Review status: criteria provided, single submitter. Criteria: ACMG Guidelines, 2015. Collection method: not provided. Allele origin: germline. Inheritance: Autosomal recessive inheritance. Affected: yes.

PreventionGenetics, part of Exact Sciences
Classification: Benign. Review status: criteria provided, single submitter. Criteria: ACMG Guidelines, 2015. Collection method: clinical testing. Allele origin: germline.